The following is an entry in ClinVar:

ClinVar aggregate classification (germline): Conflicting classifications of pathogenicity. Review status: criteria provided, conflicting classifications (1 of 4 stars). 2 submissions from 2 submitters: Uncertain significance (1); Likely benign (1). Last evaluated 2026-01-09.

Conditions:
Inborn genetic diseases. Identifiers: MedGen C0950123, MeSH D030342.

Allele frequency attached by ClinVar (database versions not stated): TOPMed 0.00011; ExAC 0.00002; gnomAD 0.00009.
gnomAD v4.1: 31 of 1,608,846 alleles (0.0019%); highest among the groups gnomAD compares: Admixed American, 0.023%; no homozygotes.

Submissions (2):

Ambry Genetics
Classification: Likely benign for Inborn genetic diseases. Last evaluated: 2026-01-09. Review status: criteria provided, single submitter. Criteria: Ambry Variant Classification Scheme 2023. Collection method: clinical testing. Allele origin: germline.

Labcorp Genetics (formerly Invitae), Labcorp
Classification: Uncertain significance. Last evaluated: 2025-09-16. Review status: criteria provided, single submitter. Criteria: Invitae Variant Classification Sherloc (09022015). Collection method: clinical testing. Allele origin: germline.
Comment: This sequence change falls in intron 28 of the KMT2A gene. It does not directly change the encoded amino acid sequence of the KMT2A protein. It affects a nucleotide within the consensus splice site. This variant is present in population databases (rs781942657, gnomAD 0.03%). This variant has not been reported in the literature in individuals affected with KMT2A-related conditions. ClinVar contains an entry for this variant (Variation ID: 1910371). Variants that disrupt the consensus splice site are a relatively common cause of aberrant splicing (PMID: 17576681, 9536098). Algorithms developed to predict the effect of sequence changes on RNA splicing suggest that this variant is not likely to affect RNA splicing. In summary, the available evidence is currently insufficient to determine the role of this variant in disease. Therefore, it has been classified as a Variant of Uncertain Significance.

Literature cited by the submitters: PubMed 17576681 (cited by Labcorp Genetics (formerly Invitae), Labcorp); PubMed 9536098 (cited by Labcorp Genetics (formerly Invitae), Labcorp).

NM_001197104.2(KMT2A):c.10835+6C>T

Gene: KMT2A (lysine methyltransferase 2A; plus strand). Cytogenetic location: 11q23.3.
Variant type: single nucleotide variant.
Coding change: c.10835+6C>T on transcript NM_001197104.2 (MANE Select); 6 bases into the intron after coding-DNA position 10835, C replaced by T.
Molecular consequence: intron variant.
Genome position (GRCh38, 1-based): chr11:118,507,615, C>T. VCF-style: chr11-118507615-C-T. GRCh37 (hg19) VCF-style: chr11-118378330-C-T.
Other names: c.10826+6C>T (NM_005933.4); c.10835+6C>T (NM_001197104.1).
Identifiers: ClinVar variation 1910371 (VCV001910371.6), dbSNP rs781942657, ClinGen allele CA6304835.